The following is an entry in ClinVar:

NM_173598.6(KSR2):c.1389A>T (p.Arg463=)

Gene: KSR2 (kinase suppressor of ras 2; minus strand). Cytogenetic location: 12q24.22.
Variant type: single nucleotide variant.
Coding change: c.1389A>T on transcript NM_173598.6 (MANE Select); coding-DNA position 1389, A replaced by T.
Protein change: p.Arg463=; no amino-acid change (arginine 463 retained).
Molecular consequence: synonymous variant.
Genome position (GRCh38, 1-based): chr12:117,558,510, T>A on the plus strand (A>T on the coding strand, the complement: KSR2 is on the minus strand). VCF-style: chr12-117558510-T-A. GRCh37 (hg19) VCF-style: chr12-117996315-T-A.
Identifiers: ClinVar variation 4991328 (VCV004991328.1).

ClinVar aggregate classification (germline): Likely benign (1 of 4 stars; one submission).

Conditions:
KSR2-related disorder. Also called: KSR2-related condition.

Submission:

PreventionGenetics, part of Exact Sciences
Classification: Likely benign for KSR2-related condition. Last evaluated: 2026-05-13. Review status: criteria provided, single submitter. Criteria: ACMG Guidelines, 2015. Collection method: clinical testing. Allele origin: germline.
Comment: This variant is classified as likely benign based on ACMG/AMP sequence variant interpretation guidelines (Richards et al. 2015 PMID: 25741868, with internal and published modifications).